The following is an entry in ClinVar:

ClinVar aggregate classification (germline): Uncertain significance (1 of 4 stars; one submission).

Conditions:
RASopathy. Also called: Noonan spectrum disorder; rasopathies. Identifiers: Orphanet 536391, MedGen C5555857, MONDO:0021060.

Submission:

Labcorp Genetics (formerly Invitae), Labcorp
Classification: Uncertain significance for RASopathy. Last evaluated: 2024-12-17. Review status: criteria provided, single submitter. Criteria: Invitae Variant Classification Sherloc (09022015). Collection method: clinical testing. Allele origin: germline.
Comment: This sequence change replaces methionine, which is neutral and non-polar, with isoleucine, which is neutral and non-polar, at codon 202 of the PTPN11 protein (p.Met202Ile). This variant is not present in population databases (gnomAD no frequency). This variant has not been reported in the literature in individuals affected with PTPN11-related conditions. Invitae Evidence Modeling of protein sequence and biophysical properties (such as structural, functional, and spatial information, amino acid conservation, physicochemical variation, residue mobility, and thermodynamic stability) has been performed for this missense variant. However, the output from this modeling did not meet the statistical confidence thresholds required to predict the impact of this variant on PTPN11 protein function. In summary, the available evidence is currently insufficient to determine the role of this variant in disease. Therefore, it has been classified as a Variant of Uncertain Significance.

NM_002834.5(PTPN11):c.606G>A (p.Met202Ile)

Gene: PTPN11 (protein tyrosine phosphatase non-receptor type 11; plus strand). Cytogenetic location: 12q24.13.
Variant type: single nucleotide variant.
Coding change: c.606G>A on transcript NM_002834.5 (MANE Select); coding-DNA position 606, G replaced by A.
Protein change: p.Met202Ile; replaces methionine 202 with isoleucine.
Molecular consequence: missense variant.
Genome position (GRCh38, 1-based): chr12:112,454,644, G>A. VCF-style: chr12-112454644-G-A. GRCh37 (hg19) VCF-style: chr12-112892448-G-A.
Other names: c.606G>A, p.Met202Ile (NM_001330437.2, NM_080601.3); c.603G>A, p.Met201Ile (NM_001374625.1); short protein forms M201I, M202I.
Identifiers: ClinVar variation 3637664 (VCV003637664.2).
Genomic context (GRCh38, chr12:112,454,644, plus strand): 5'-TGGAGGAGAACGGTTTGATTCTTTGACAGATCTTGTGGAACATTATAAGAAGAATCCTAT[G>A]GTGGAAACATTGGGTACAGTACTACAACTCAAGCAGGTGAGCAGATTGGAAAGCTCAAGC-3'
Protein context (NP_002825.3, residues 192-212): DLVEHYKKNP[Met202Ile]VETLGTVLQL